The following is an entry in ClinVar:

ClinVar aggregate classification (germline): Likely benign. Review status: criteria provided, multiple submitters, no conflicts (2 of 4 stars). 2 submissions from 2 submitters: Likely benign (2). Last evaluated 2026-09-01.

gnomAD v4.1: 3 of 1,601,028 alleles (0.00019%); highest among the groups gnomAD compares: Admixed American, 0.0052%; no homozygotes.

Submissions (2):

CeGaT Center for Human Genetics Tuebingen
Classification: Likely benign. Last evaluated: 2026-09-01. Review status: criteria provided, single submitter. Criteria: CeGaT Center For Human Genetics Tuebingen Variant Classification Criteria Version 2. Collection method: clinical testing. Allele origin: germline. Affected: yes. Observed: 1 variant allele.
Comment: RIN2: BP4, BP7

Labcorp Genetics (formerly Invitae), Labcorp
Classification: Likely benign. Last evaluated: 2026-01-25. Review status: criteria provided, single submitter. Criteria: Invitae Variant Classification Sherloc (09022015). Collection method: clinical testing. Allele origin: germline.

NM_018993.4(RIN2):c.375C>A (p.Thr125=)

Gene: RIN2 (Ras and Rab interactor 2; plus strand). Cytogenetic location: 20p11.23.
Variant type: single nucleotide variant.
Coding change: c.375C>A on transcript NM_018993.4 (MANE Select); coding-DNA position 375, C replaced by A.
Protein change: p.Thr125=; no amino-acid change (threonine 125 retained).
Molecular consequence: synonymous variant. On other transcripts: 5 prime UTR variant (1).
Genome position (GRCh38, 1-based): chr20:19,960,723, C>A. VCF-style: chr20-19960723-C-A. GRCh37 (hg19) VCF-style: chr20-19941367-C-A.
Other names: c.522C>A, p.Thr174= (NM_001242581.2); c.-171C>A (NM_001378238.1).
Identifiers: ClinVar variation 2136981 (VCV002136981.5), dbSNP rs45481396, ClinGen allele CA312406485.